The following is an entry in ClinVar:

NM_003108.4(SOX11):c.718A>G (p.Lys240Glu)

Gene: SOX11 (SRY-box transcription factor 11; plus strand). Cytogenetic location: 2p25.2.
Variant type: single nucleotide variant.
Coding change: c.718A>G on transcript NM_003108.4 (MANE Select); coding-DNA position 718, A replaced by G.
Protein change: p.Lys240Glu; replaces lysine 240 with glutamic acid.
Molecular consequence: missense variant.
Genome position (GRCh38, 1-based): chr2:5,693,439, A>G. VCF-style: chr2-5693439-A-G. GRCh37 (hg19) VCF-style: chr2-5833571-A-G.
Other names: short protein forms K240E.
Identifiers: ClinVar variation 2761465 (VCV002761465.3), dbSNP rs1665673473, ClinGen allele CA345867299.

ClinVar aggregate classification (germline): Uncertain significance (1 of 4 stars; one submission).

Allele frequency attached by ClinVar (database versions not stated): gnomAD exomes below 0.00001.
gnomAD v4.1: 1 of 1,591,782 alleles (0.000063%); highest among the groups gnomAD compares: Non-Finnish European, 0.000085%; no homozygotes.

Submission:

Labcorp Genetics (formerly Invitae), Labcorp
Classification: Uncertain significance. Last evaluated: 2025-07-14. Review status: criteria provided, single submitter. Criteria: Invitae Variant Classification Sherloc (09022015). Collection method: clinical testing. Allele origin: germline.
Comment: This sequence change replaces lysine, which is basic and polar, with glutamic acid, which is acidic and polar, at codon 240 of the SOX11 protein (p.Lys240Glu). This variant is not present in population databases (gnomAD no frequency). This variant has not been reported in the literature in individuals affected with SOX11-related conditions. ClinVar contains an entry for this variant (Variation ID: 2761465). Invitae Evidence Modeling of protein sequence and biophysical properties (such as structural, functional, and spatial information, amino acid conservation, physicochemical variation, residue mobility, and thermodynamic stability) indicates that this missense variant is not expected to disrupt SOX11 protein function with a negative predictive value of 95%. In summary, the available evidence is currently insufficient to determine the role of this variant in disease. Therefore, it has been classified as a Variant of Uncertain Significance.